The following is an entry in ClinVar:

NM_020693.4(DSCAML1):c.6133G>A (p.Ala2045Thr)

Gene: DSCAML1 (DS cell adhesion molecule like 1; minus strand). Cytogenetic location: 11q23.3.
Variant type: single nucleotide variant.
Coding change: c.6133G>A on transcript NM_020693.4 (MANE Select); coding-DNA position 6133, G replaced by A.
Protein change: p.Ala2045Thr; replaces alanine 2045 with threonine.
Molecular consequence: missense variant.
Genome position (GRCh38, 1-based): chr11:117,428,357, C>T on the plus strand (G>A on the coding strand, the complement: DSCAML1 is on the minus strand). VCF-style: chr11-117428357-C-T. GRCh37 (hg19) VCF-style: chr11-117299073-C-T.
Other names: c.6313G>A (NM_020693.3); short protein forms A2045T.
Identifiers: ClinVar variation 2416276 (VCV002416276.7), dbSNP rs199968404, ClinGen allele CA6295856.
Genomic context (GRCh38, chr11:117,428,357, plus strand): 5'-GGTCCAGGCGTGGCTGCTCTTCCTGCGGGCCCTACACCAGGGTGTAGGATTTGGAGTAGG[C>T]CCCGGCCCCCTGCTTCTGAGACCTCCCTACCCCCGATGTGCTCATCTCGAGAAGCGAGTC-3'
Protein context (NP_065744.3, residues 2035-2053): VGRSQKQGAG[Ala2045Thr]YSKSYTLV

ClinVar aggregate classification (germline): Uncertain significance. Review status: criteria provided, single submitter (1 of 4 stars). 2 submissions from 2 submitters: Uncertain significance (1). 1 of the submissions does not count toward it. Last evaluated 2022-08-23.

Conditions:
DSCAML1-related disorder. Also called: DSCAML1-related condition.

gnomAD v4.1: 13 of 1,580,024 alleles (0.00082%); highest among the groups gnomAD compares: African/African-American, 0.0082%; 1 homozygote.

Submissions (2):

Labcorp Genetics (formerly Invitae), Labcorp
Classification: Uncertain significance. Last evaluated: 2022-08-23. Review status: criteria provided, single submitter. Criteria: Invitae Variant Classification Sherloc (09022015). Collection method: clinical testing. Allele origin: germline.
Comment: In summary, the available evidence is currently insufficient to determine the role of this variant in disease. Therefore, it has been classified as a Variant of Uncertain Significance. Algorithms developed to predict the effect of missense changes on protein structure and function are either unavailable or do not agree on the potential impact of this missense change (SIFT: "Deleterious"; PolyPhen-2: "Benign"; Align-GVGD: "Class C0"). This variant has not been reported in the literature in individuals affected with DSCAML1-related conditions. The frequency data for this variant in the population databases is considered unreliable, as metrics indicate poor data quality at this position in the gnomAD database. This sequence change replaces alanine, which is neutral and non-polar, with threonine, which is neutral and polar, at codon 2105 of the DSCAML1 protein (p.Ala2105Thr).

PreventionGenetics, part of Exact Sciences
Classification: Uncertain significance for DSCAML1-related condition. Last evaluated: 2024-08-27. Review status: no assertion criteria provided. Collection method: clinical testing. Allele origin: germline. Not counted in ClinVar's aggregate classification.
Comment: The DSCAML1 c.6313G>A variant is predicted to result in the amino acid substitution p.Ala2105Thr. This variant has been reported in an individual with epilepsy, hyperactivity and autism, but was inherited from an asymptomatic parent (Hayase et al. 2020. PubMed ID: 33256836). This variant is reported in 0.013% of alleles in individuals of African descent in gnomAD. At this time, the clinical significance of this variant is uncertain due to the absence of conclusive functional and genetic evidence.